The following is an entry in ClinVar:

ClinVar aggregate classification (germline): Uncertain significance (1 of 4 stars; one submission).

Submission:

Ambry Genetics
Classification: Uncertain significance. Last evaluated: 2026-07-19. Review status: criteria provided, single submitter. Criteria: Ambry Variant Classification Scheme 2023. Collection method: clinical testing. Allele origin: germline.
Comment: The p.G422R variant (also known as c.1264G>C), located in coding exon 2 of the CDK12 gene, results from a G to C substitution at nucleotide position 1264. The glycine at codon 422 is replaced by arginine, an amino acid with dissimilar properties. This amino acid position is conserved. In addition, this alteration is predicted to be tolerated by in silico analysis. Based on the available evidence, the clinical significance of this variant remains unclear.

NM_016507.4(CDK12):c.1264G>C (p.Gly422Arg)

Gene: CDK12 (cyclin dependent kinase 12; plus strand). Cytogenetic location: 17q12.
Variant type: single nucleotide variant.
Coding change: c.1264G>C on transcript NM_016507.4 (MANE Select); coding-DNA position 1264, G replaced by C.
Protein change: p.Gly422Arg; replaces glycine 422 with arginine.
Molecular consequence: missense variant.
Genome position (GRCh38, 1-based): chr17:39,471,096, G>C. VCF-style: chr17-39471096-G-C. GRCh37 (hg19) VCF-style: chr17-37627349-G-C.
Other names: c.1264G>C, p.Gly422Arg (NM_015083.4); short protein forms G422R.
Identifiers: ClinVar variation 5034105 (VCV005034105.1).
Genomic context (GRCh38, chr17:39,471,096, plus strand): 5'-AAAAAGAAGGAAAGAGCAGCTGCTGCTGCTGCAGCAAAGATGGATGGAAAGGAGTCCAAG[G>C]GTTCACCTGTATTTTTGCCTAGAAAAGAGAACAGTTCAGTAGAGGCTAAGGATTCAGGTT-3'
Protein context (NP_057591.2, residues 412-432): AAKMDGKESK[Gly422Arg]SPVFLPRKEN